The following is an entry in ClinVar:

NM_024548.4(CEP97):c.1973G>C (p.Ser658Thr)

Gene: CEP97 (centrosomal protein 97; plus strand). Cytogenetic location: 3q12.3.
Variant type: single nucleotide variant.
Coding change: c.1973G>C on transcript NM_024548.4 (MANE Select); coding-DNA position 1973, G replaced by C.
Protein change: p.Ser658Thr; replaces serine 658 with threonine.
Molecular consequence: missense variant.
Genome position (GRCh38, 1-based): chr3:101,764,926, G>C. VCF-style: chr3-101764926-G-C. GRCh37 (hg19) VCF-style: chr3-101483770-G-C.
Other names: c.1796G>C, p.Ser599Thr (NM_001303401.2); short protein forms S599T, S658T.
Identifiers: ClinVar variation 1361563 (VCV001361563.6), dbSNP rs186791868, ClinGen allele CA2522251.
Genomic context (GRCh38, chr3:101,764,926, plus strand): 5'-GGCAACAGACAGTGGACCAGCGTCTAAGTTCCTGGCATACTGATGTTCCTCCTATATCAA[G>C]TACTCTTGTGCCATCGAAACATCCATTATTTACCCAAAGCCAGGAGTCCTCTTGTGATCA-3'
Protein context (NP_078824.2, residues 648-668): SWHTDVPPIS[Ser658Thr]TLVPSKHPLF

ClinVar aggregate classification (germline): Uncertain significance (1 of 4 stars; one submission).

Allele frequency attached by ClinVar (database versions not stated): 1000 Genomes Project 30x 0.00016; 1000 Genomes Project 0.00020.
gnomAD v4.1: 92 of 1,614,182 alleles (0.0057%); highest among the groups gnomAD compares: Admixed American, 0.11%; no homozygotes.

Submission:

Labcorp Genetics (formerly Invitae), Labcorp
Classification: Uncertain significance. Last evaluated: 2026-01-04. Review status: criteria provided, single submitter. Criteria: Invitae Variant Classification Sherloc (09022015). Collection method: clinical testing. Allele origin: germline.
Comment: This sequence change replaces serine, which is neutral and polar, with threonine, which is neutral and polar, at codon 658 of the CEP97 protein (p.Ser658Thr). This variant is present in population databases (rs186791868, gnomAD 0.1%), and has an allele count higher than expected for a pathogenic variant. This variant has not been reported in the literature in individuals affected with CEP97-related conditions. ClinVar contains an entry for this variant (Variation ID: 1361563). Invitae Evidence Modeling of protein sequence and biophysical properties (such as structural, functional, and spatial information, amino acid conservation, physicochemical variation, residue mobility, and thermodynamic stability) indicates that this missense variant is not expected to disrupt CEP97 protein function with a negative predictive value of 80%. In summary, the available evidence is currently insufficient to determine the role of this variant in disease. Therefore, it has been classified as a Variant of Uncertain Significance.